The following is an entry in ClinVar:

NM_002691.4(POLD1):c.2920C>T (p.Leu974=)

Gene: POLD1 (DNA polymerase delta 1, catalytic subunit; plus strand). Cytogenetic location: 19q13.33.
Variant type: single nucleotide variant.
Coding change: c.2920C>T on transcript NM_002691.4 (MANE Select); coding-DNA position 2920, C replaced by T.
Protein change: p.Leu974=; no amino-acid change (leucine 974 retained).
Molecular consequence: synonymous variant. On other transcripts: non-coding transcript variant (1).
Genome position (GRCh38, 1-based): chr19:50,416,495, C>T. VCF-style: chr19-50416495-C-T. GRCh37 (hg19) VCF-style: chr19-50919752-C-T.
Other names: c.2920C>T, p.Leu974= (NM_001256849.1); c.2998C>T, p.Leu1000= (NM_001308632.1).
Identifiers: ClinVar variation 382193 (VCV000382193.19), dbSNP rs1057521278, ClinGen allele CA16608376.

ClinVar aggregate classification (germline): Likely benign. Review status: criteria provided, multiple submitters, no conflicts (2 of 4 stars). 4 submissions from 4 submitters: Likely benign (3). 1 of the submissions does not count toward it. Last evaluated 2025-11-20.

Conditions:
POLD1-related polyposis and colorectal cancer syndrome (CRCS10). Also called: Colorectal cancer, susceptibility to, 10; Colorectal cancer 10; COLORECTAL CANCER, SUSCEPTIBILITY TO, ON CHROMOSOME 19q. Identifiers: Orphanet 220460, MedGen C2675481, MONDO:0012953, OMIM 612591.
Hereditary cancer-predisposing syndrome. Also called: Neoplastic Syndromes, Hereditary; Hereditary neoplastic syndrome; Hereditary Cancer Syndrome; Tumor predisposition. Identifiers: Orphanet 140162, MedGen C0027672, MeSH D009386, MONDO:0015356.
POLD1-related disorder. Also called: POLD1-related disorders; POLD1-related condition.

Allele frequency attached by ClinVar (database versions not stated): gnomAD exomes 0.00001.
gnomAD v4.1: 14 of 1,552,426 alleles (0.0009%); highest among the groups gnomAD compares: Non-Finnish European, 0.0012%; no homozygotes.

Submissions (4):

Labcorp Genetics (formerly Invitae), Labcorp
Classification: Likely benign for POLD1-related polyposis and colorectal cancer syndrome. Last evaluated: 2025-11-20. Review status: criteria provided, single submitter. Criteria: Invitae Variant Classification Sherloc (09022015). Collection method: clinical testing. Allele origin: germline.

Ambry Genetics
Classification: Likely benign for Hereditary cancer-predisposing syndrome. Last evaluated: 2016-02-05. Review status: criteria provided, single submitter. Criteria: Ambry Variant Classification Scheme 2023. Collection method: clinical testing. Allele origin: germline.

GeneDx
Classification: Likely benign. Last evaluated: 2015-12-08. Review status: criteria provided, single submitter. Criteria: GeneDx Variant Classification (06012015). Collection method: clinical testing. Allele origin: germline. Affected: yes.
Comment: This variant is considered likely benign or benign based on one or more of the following criteria: it is a conservative change, it occurs at a poorly conserved position in the protein, it is predicted to be benign by multiple in silico algorithms, and/or has population frequency not consistent with disease.

PreventionGenetics, part of Exact Sciences
Classification: Likely benign for POLD1-related condition. Last evaluated: 2020-11-25. Review status: no assertion criteria provided. Collection method: clinical testing. Allele origin: germline. Not counted in ClinVar's aggregate classification.
Comment: This variant is classified as likely benign based on ACMG/AMP sequence variant interpretation guidelines (Richards et al. 2015 PMID: 25741868, with internal and published modifications).